The following is an entry in ClinVar:

NM_001846.4(COL4A2):c.2437A>T (p.Met813Leu)

Gene: COL4A2 (collagen type IV alpha 2 chain; plus strand). Cytogenetic location: 13q34.
Variant type: single nucleotide variant.
Coding change: c.2437A>T on transcript NM_001846.4 (MANE Select); coding-DNA position 2437, A replaced by T.
Protein change: p.Met813Leu; replaces methionine 813 with leucine.
Molecular consequence: missense variant.
Genome position (GRCh38, 1-based): chr13:110,478,014, A>T. VCF-style: chr13-110478014-A-T. GRCh37 (hg19) VCF-style: chr13-111130361-A-T.
Other names: short protein forms M813L.
Identifiers: ClinVar variation 2175115 (VCV002175115.4), dbSNP rs758300584, ClinGen allele CA7049921.

ClinVar aggregate classification (germline): Uncertain significance (1 of 4 stars; one submission).

Allele frequency attached by ClinVar (database versions not stated): TOPMed below 0.00001; ExAC 0.00001.
gnomAD v4.1: 6 of 1,568,174 alleles (0.00038%); highest among the groups gnomAD compares: Admixed American, 0.0074%; no homozygotes.

Submission:

Labcorp Genetics (formerly Invitae), Labcorp
Classification: Uncertain significance. Last evaluated: 2024-11-05. Review status: criteria provided, single submitter. Criteria: Invitae Variant Classification Sherloc (09022015). Collection method: clinical testing. Allele origin: germline.
Comment: This sequence change replaces methionine, which is neutral and non-polar, with leucine, which is neutral and non-polar, at codon 813 of the COL4A2 protein (p.Met813Leu). This variant is present in population databases (rs758300584, gnomAD 0.01%). This variant has not been reported in the literature in individuals affected with COL4A2-related conditions. ClinVar contains an entry for this variant (Variation ID: 2175115). Invitae Evidence Modeling of protein sequence and biophysical properties (such as structural, functional, and spatial information, amino acid conservation, physicochemical variation, residue mobility, and thermodynamic stability) indicates that this missense variant is not expected to disrupt COL4A2 protein function with a negative predictive value of 95%. In summary, the available evidence is currently insufficient to determine the role of this variant in disease. Therefore, it has been classified as a Variant of Uncertain Significance.